The following is an entry in ClinVar:

ClinVar aggregate classification (germline): Likely pathogenic (1 of 4 stars; one submission).

Conditions:
Hereditary hemorrhagic telangiectasia (HHT). Also called: ORW DISEASE; Osler Weber Rendu syndrome; OSLER-RENDU-WEBER DISEASE; Osler hemorrhagic telangiectasia syndrome. Identifiers: Orphanet 774, MedGen C0039445, MONDO:0019180. Disease mechanism: loss of function.

Submission:

Labcorp Genetics (formerly Invitae), Labcorp
Classification: Likely pathogenic for Hereditary hemorrhagic telangiectasia. Last evaluated: 2025-05-05. Review status: criteria provided, single submitter. Criteria: Invitae Variant Classification Sherloc (09022015). Collection method: clinical testing. Allele origin: germline.
Comment: This sequence change replaces methionine, which is neutral and non-polar, with valine, which is neutral and non-polar, at codon 414 of the ENG protein (p.Met414Val). This variant is not present in population databases (gnomAD no frequency). This missense change has been observed in individual(s) with clinical features of hereditary hemorrhagic telangiectasia (internal data). ClinVar contains an entry for this variant (Variation ID: 3664491). Invitae Evidence Modeling of protein sequence and biophysical properties (such as structural, functional, and spatial information, amino acid conservation, physicochemical variation, residue mobility, and thermodynamic stability) indicates that this missense variant is expected to disrupt ENG protein function with a positive predictive value of 80%. This variant disrupts the p.Met414 amino acid residue in ENG. Other variant(s) that disrupt this residue have been determined to be pathogenic (internal data). This suggests that this residue is clinically significant, and that variants that disrupt this residue are likely to be disease-causing. In summary, the currently available evidence indicates that the variant is pathogenic, but additional data are needed to prove that conclusively. Therefore, this variant has been classified as Likely Pathogenic.

NM_001114753.3(ENG):c.1240A>G (p.Met414Val)

Genes: ENG (endoglin; minus strand), LOC102723566 (uncharacterized LOC102723566; plus strand). Cytogenetic location: 9q34.11.
Variant type: single nucleotide variant.
Coding change: c.1240A>G on transcript NM_001114753.3 (MANE Select); coding-DNA position 1240, A replaced by G.
Protein change: p.Met414Val; replaces methionine 414 with valine.
Molecular consequence: missense variant.
Genome position (GRCh38, 1-based): chr9:127,819,932, T>C on the plus strand (A>G on the coding strand, the complement: ENG is on the minus strand). VCF-style: chr9-127819932-T-C. GRCh37 (hg19) VCF-style: chr9-130582211-T-C.
Other names: c.1240A>G, p.Met414Val (NM_000118.4); c.694A>G, p.Met232Val (NM_001278138.2); short protein forms M232V, M414V.
Identifiers: ClinVar variation 3664491 (VCV003664491.2).